The following is an entry in ClinVar:

ClinVar aggregate classification (germline): Pathogenic/Likely pathogenic. Review status: criteria provided, multiple submitters, no conflicts (2 of 4 stars). 2 submissions from 2 submitters: Pathogenic (1); Likely pathogenic (1). Last evaluated 2026-01-28.

Conditions:
Primary ciliary dyskinesia. Also called: Ciliary dyskinesia. Identifiers: Orphanet 244, MedGen C0008780, MONDO:0016575, HP:0012265.

gnomAD v4.1: 46 of 1,571,660 alleles (0.0029%); highest among the groups gnomAD compares: East Asian, 0.0045%; no homozygotes.

Submissions (2):

Labcorp Genetics (formerly Invitae), Labcorp
Classification: Pathogenic for Primary ciliary dyskinesia. Last evaluated: 2026-01-28. Review status: criteria provided, single submitter. Criteria: Invitae Variant Classification Sherloc (09022015). Collection method: clinical testing. Allele origin: germline.
Comment: This sequence change creates a premature translational stop signal (p.Arg4281*) in the DNAH8 gene. It is expected to result in an absent or disrupted protein product. Loss-of-function variants in DNAH8 are known to be pathogenic (PMID: 24307375, 32619401, 32681648). This variant is present in population databases (no rsID available, gnomAD 0.004%). This variant has not been reported in the literature in individuals affected with DNAH8-related conditions. ClinVar contains an entry for this variant (Variation ID: 3910778). For these reasons, this variant has been classified as Pathogenic.

Laboratory of Genetics, Children's Clinical University Hospital Latvia
Classification: Likely pathogenic. Last evaluated: 2025-02-16. Review status: criteria provided, single submitter. Criteria: ACMG Guidelines, 2015. Collection method: clinical testing. Allele origin: germline. Affected: yes.

Literature cited by the submitters: PubMed 24307375 (cited by Labcorp Genetics (formerly Invitae), Labcorp); PubMed 32619401 (cited by Labcorp Genetics (formerly Invitae), Labcorp); PubMed 32681648 (cited by Labcorp Genetics (formerly Invitae), Labcorp).

NM_001206927.2(DNAH8):c.12841C>T (p.Arg4281Ter)

Gene: DNAH8 (dynein axonemal heavy chain 8; plus strand). Cytogenetic location: 6p21.2.
Variant type: single nucleotide variant.
Coding change: c.12841C>T on transcript NM_001206927.2 (MANE Select); coding-DNA position 12841, C replaced by T.
Protein change: p.Arg4281Ter; replaces arginine 4281 with a stop codon.
Molecular consequence: nonsense.
Genome position (GRCh38, 1-based): chr6:38,982,352, C>T. VCF-style: chr6-38982352-C-T. GRCh37 (hg19) VCF-style: chr6-38950128-C-T.
Other names: c.12190C>T, p.Arg4064Ter (NM_001371.4); short protein forms R4064*, R4281*.
Identifiers: ClinVar variation 3910778 (VCV003910778.2).
Genomic context (GRCh38, chr6:38,982,352, plus strand): 5'-AATAAAAATGGAATCAGGTACATGCAATACTTACTTTTCTTTGGTGTTTTTAAGGAGCGA[C>T]GAAAATTTGGCCCCTTAGGATGGAATATTCCCTACGAATTCAATTCTGCTGACTTTTCAG-3'